The following is an entry in ClinVar:

NM_004385.5(VCAN):c.425C>T (p.Thr142Met)

Gene: VCAN (versican; plus strand). Cytogenetic location: 5q14.2.
Variant type: single nucleotide variant.
Coding change: c.425C>T on transcript NM_004385.5 (MANE Select); coding-DNA position 425, C replaced by T.
Protein change: p.Thr142Met; replaces threonine 142 with methionine.
Molecular consequence: missense variant.
Genome position (GRCh38, 1-based): chr5:83,490,452, C>T. VCF-style: chr5-83490452-C-T. GRCh37 (hg19) VCF-style: chr5-82786271-C-T.
Other names: c.425C>T (NM_004385.4); c.425C>T, p.Thr142Met (NM_001126336.3, NM_001164097.2, NM_001164098.2); short protein forms T142M.
Identifiers: ClinVar variation 1061681 (VCV001061681.11), dbSNP rs1243361203, ClinGen allele CA360295954.

ClinVar aggregate classification (germline): Uncertain significance. Review status: criteria provided, multiple submitters, no conflicts (2 of 4 stars). 3 submissions from 3 submitters: Uncertain significance (3). Last evaluated 2026-07-06.

Conditions:
VCAN-related disorder. Also called: VCAN-related condition.
Inborn genetic diseases. Identifiers: MedGen C0950123, MeSH D030342.

Allele frequency attached by ClinVar (database versions not stated): gnomAD exomes 0.00001; TOPMed 0.00001; gnomAD 0.00002 and 0.00003.
gnomAD v4.1: 5 of 1,613,940 alleles (0.00031%); highest among the groups gnomAD compares: African/African-American, 0.0053%; no homozygotes.

Submissions (3):

PreventionGenetics, part of Exact Sciences
Classification: Uncertain significance for VCAN-related condition. Last evaluated: 2026-07-06. Review status: criteria provided, single submitter. Criteria: ACMG Guidelines, 2015. Collection method: clinical testing. Allele origin: germline.
Comment: The VCAN c.425C>T variant is predicted to result in the amino acid substitution p.Thr142Met. To our knowledge, this variant has not been reported in the literature. This variant is reported in 0.0040% of alleles in individuals of African descent in gnomAD. At this time, the clinical significance of this variant is uncertain due to the absence of conclusive functional and genetic evidence.

Labcorp Genetics (formerly Invitae), Labcorp
Classification: Uncertain significance. Last evaluated: 2024-03-26. Review status: criteria provided, single submitter. Criteria: Invitae Variant Classification Sherloc (09022015). Collection method: clinical testing. Allele origin: germline.
Comment: This sequence change replaces threonine, which is neutral and polar, with methionine, which is neutral and non-polar, at codon 142 of the VCAN protein (p.Thr142Met). This variant is present in population databases (no rsID available, gnomAD 0.004%). This variant has not been reported in the literature in individuals affected with VCAN-related conditions. ClinVar contains an entry for this variant (Variation ID: 1061681). An algorithm developed to predict the effect of missense changes on protein structure and function (PolyPhen-2) suggests that this variant is likely to be disruptive. In summary, the available evidence is currently insufficient to determine the role of this variant in disease. Therefore, it has been classified as a Variant of Uncertain Significance.

Ambry Genetics
Classification: Uncertain significance for Inborn genetic diseases. Last evaluated: 2022-08-30. Review status: criteria provided, single submitter. Criteria: Ambry Variant Classification Scheme 2023. Collection method: clinical testing. Allele origin: germline.